The following is an entry in ClinVar:

ClinVar aggregate classification (germline): Likely benign (1 of 4 stars; one submission).

Conditions:
Mitochondrial DNA depletion syndrome, myopathic form (MTDPS2). Also called: MITOCHONDRIAL DNA DEPLETION MYOPATHY, TK2-RELATED; TK2-Related Mitochondrial DNA Maintenance Defect, Myopathic Form; MITOCHONDRIAL DNA DEPLETION SYNDROME 2 (MYOPATHIC TYPE). Identifiers: Orphanet 254875, MedGen C3149750, MONDO:0012301, OMIM 609560.

Allele frequency attached by ClinVar (database versions not stated): TOPMed 0.00380; 1000 Genomes Project 0.00419; 1000 Genomes Project 30x 0.00437.

Submission:

Illumina Laboratory Services, Illumina
Classification: Likely benign for Mitochondrial DNA depletion syndrome, myopathic form. Last evaluated: 2018-01-13. Review status: criteria provided, single submitter. Criteria: ICSL Variant Classification Criteria 13 December 2019. Collection method: clinical testing. Allele origin: germline.
Comment: This variant was observed in the ICSL laboratory as part of a predisposition screen in an ostensibly healthy population. It had not been previously curated by ICSL or reported in the Human Gene Mutation Database (HGMD: prior to June 1st, 2018), and was therefore a candidate for classification through an automated scoring system. Utilizing variant allele frequency, disease prevalence and penetrance estimates, and inheritance mode, an automated score was calculated to assess if this variant is too frequent to cause the disease. Based on the score and internal cut-off values, a variant classified as likely benign is not then subjected to further curation. The score for this variant resulted in a classification of likely benign for this disease.

NM_004614.5(TK2):c.*2540G>T

Gene: TK2 (thymidine kinase 2; minus strand). Cytogenetic location: 16q21.
Variant type: single nucleotide variant.
Coding change: c.*2540G>T on transcript NM_004614.5 (MANE Select); 2540 bases downstream of the stop codon, G replaced by T.
Molecular consequence: 3 prime UTR variant. On other transcripts: non-coding transcript variant (1).
Genome position (GRCh38, 1-based): chr16:66,509,428, C>A on the plus strand (G>T on the coding strand, the complement: TK2 is on the minus strand). VCF-style: chr16-66509428-C-A. GRCh37 (hg19) VCF-style: chr16-66543331-C-A.
Other names: c.*2540G>T (NM_001172643.1, NM_001172644.2, NM_001172645.2 and 2 more transcripts); c.*2635G>T (NM_001271935.1).
Identifiers: ClinVar variation 887548 (VCV000887548.4), dbSNP rs574199934, ClinGen allele CA282169739.
Genomic context (GRCh38, chr16:66,509,428, plus strand): 5'-CCACTACACACTTCTTTTATGTAAAAGATAAATATATTTCTATCTAGTTTCCAAAAAAAA[C>A]CAGGTACATAAGGTATTTTTAAATGGTTATAATCATATATTTTACATGTACTGTCAAAAA-3'